The following is an entry in ClinVar:

ClinVar aggregate classification (germline): Uncertain significance (1 of 4 stars; one submission).

Allele frequency attached by ClinVar (database versions not stated): gnomAD exomes below 0.00001; gnomAD 0.00001; TOPMed 0.00001.
gnomAD v4.1: 2 of 1,614,046 alleles (0.00012%); highest among the groups gnomAD compares: African/African-American, 0.0027%; no homozygotes.

Submission:

Labcorp Genetics (formerly Invitae), Labcorp
Classification: Uncertain significance. Last evaluated: 2023-01-12. Review status: criteria provided, single submitter. Criteria: Invitae Variant Classification Sherloc (09022015). Collection method: clinical testing. Allele origin: germline.
Comment: In summary, the available evidence is currently insufficient to determine the role of this variant in disease. Therefore, it has been classified as a Variant of Uncertain Significance. Algorithms developed to predict the effect of missense changes on protein structure and function output the following: SIFT: "Tolerated"; PolyPhen-2: "Benign"; Align-GVGD: "Class C0". The proline amino acid residue is found in multiple mammalian species, which suggests that this missense change does not adversely affect protein function. This variant has not been reported in the literature in individuals affected with FAT2-related conditions. This variant is present in population databases (no rsID available, gnomAD 0.01%). This sequence change replaces serine, which is neutral and polar, with proline, which is neutral and non-polar, at codon 1101 of the FAT2 protein (p.Ser1101Pro).

NM_001447.3(FAT2):c.3301T>C (p.Ser1101Pro)

Gene: FAT2 (FAT atypical cadherin 2; minus strand). Cytogenetic location: 5q33.1.
Variant type: single nucleotide variant.
Coding change: c.3301T>C on transcript NM_001447.3 (MANE Select); coding-DNA position 3301, T replaced by C.
Protein change: p.Ser1101Pro; replaces serine 1101 with proline.
Molecular consequence: missense variant.
Genome position (GRCh38, 1-based): chr5:151,563,598, A>G on the plus strand (T>C on the coding strand, the complement: FAT2 is on the minus strand). VCF-style: chr5-151563598-A-G. GRCh37 (hg19) VCF-style: chr5-150943159-A-G.
Other names: short protein forms S1101P.
Identifiers: ClinVar variation 2844075 (VCV002844075.3), dbSNP rs1174105451, ClinGen allele CA361849558.